The following is an entry in ClinVar:

NM_032119.4(ADGRV1):c.10329_10330insTTTTTTTTTTTTTTTTTTTTNNNNNNNNNNCTGACCTCGTGATCCACCCGCCTCGGCCTCCCAAAGTGCTGGGATCACAGGCGTGAGCCACCGCGCCCGGCCGGCAGTGGGTTTATT (p.Asn3444delinsPhePhePhePhePhePheXaaXaaXaaXaaLeuThrSerTer)

Gene: ADGRV1 (adhesion G protein-coupled receptor V1; plus strand). Cytogenetic location: 5q14.3.
Variant type: Insertion.
Coding change: c.10329_10330insTTTTTTTTTTTTTTTTTTTTNNNNNNNNNNCTGACCTCGTGATCCACCCGCCTCGGCCTCCCAAAGTGCTGGGATCACAGGCGTGAGCCACCGCGCCCGGCCGGCAGTGGGTTTATT on transcript NM_032119.4 (MANE Select); coding-DNA positions 10329 to 10330, TTTTTTTTTTTTTTTTTTTTNNNNNNNNNNCTGACCTCGTGATCCACCCGCCTCGGCCTCCCAAAGTGCTGGGATCACAGGCGTGAGCCACCGCGCCCGGCCGGCAGTGGGTTTATT inserted.
Protein change: p.Asn3444delinsPhePhePhePhePhePheXaaXaaXaaXaaLeuThrSerTer.
Molecular consequence: nonsense. On other transcripts: non-coding transcript variant (1).
Genome position: GRCh38: chr5:90,728,836-90,728,837. GRCh37 (hg19): chr5:90,024,653-90,024,654.
Identifiers: ClinVar variation 3684075 (VCV003684075.2).

ClinVar aggregate classification (germline): Pathogenic (1 of 4 stars; one submission).

Submission:

Labcorp Genetics (formerly Invitae), Labcorp
Classification: Pathogenic. Last evaluated: 2024-09-16. Review status: criteria provided, single submitter. Criteria: Invitae Variant Classification Sherloc (09022015). Collection method: clinical testing. Allele origin: germline.
Comment: This sequence change inserts a large fragment of DNA, likely a transposable element, in exon 49 of the ADGRV1 gene (c.10329_10330ins?), causing a frameshift at codon 3444 (p.Asn3444fs). The exact size and sequence of the insertion cannot be determined by the current assay. However, the insertion is expected to result in an absent or disrupted protein product. This variant is not present in population databases (gnomAD no frequency). This variant has not been reported in the literature in individuals affected with ADGRV1-related conditions. Algorithms developed to predict the effect of sequence changes on RNA splicing suggest that this variant may disrupt the consensus splice site. Retrotransposon insertions including LINE1 (L1), Alu, and SVA (SINE-VNTR-Alu) have been reported to be disease-causing through disruption of either a coding region or splice site (PMID: 19763152, 20307669, 22406018) and loss-of-function variants in ADGRV1 are known to be pathogenic (PMID: 19357117, 22135276, 22147658, 26226137, 30718709, 31047384, 32467589). For these reasons, this variant has been classified as Pathogenic.

Literature cited by the submitters: PubMed 19763152; PubMed 20307669; PubMed 22406018; PubMed 19357117; PubMed 22135276; PubMed 22147658; PubMed 26226137; PubMed 30718709; PubMed 31047384; PubMed 32467589.